The following is an entry in ClinVar:

ClinVar aggregate classification (germline): Conflicting classifications of pathogenicity. Review status: criteria provided, conflicting classifications (1 of 4 stars). 5 submissions from 5 submitters: Uncertain significance (1); Benign (1); Likely benign (2). 1 of the submissions does not count toward it. Last evaluated 2025-12-28.

Conditions:
Autosomal recessive nonsyndromic hearing loss 3. Also called: NEUROSENSORY NONSYNDROMIC RECESSIVE DEAFNESS 3. Identifiers: Orphanet 90636, MedGen C1838263, MONDO:0010860, OMIM 600316.
MYO15A-related disorder. Also called: MYO15A-related condition.

Allele frequency attached by ClinVar (database versions not stated): gnomAD exomes 0.00016 and 0.00032; ExAC 0.00021; gnomAD 0.00021 and 0.00023; TOPMed 0.00022.
gnomAD v4.1: 280 of 1,612,144 alleles (0.017%); highest among the groups gnomAD compares: Admixed American, 0.018%; 2 homozygotes.

Submissions (5):

Labcorp Genetics (formerly Invitae), Labcorp
Classification: Benign. Last evaluated: 2025-12-28. Review status: criteria provided, single submitter. Criteria: Invitae Variant Classification Sherloc (09022015). Collection method: clinical testing. Allele origin: germline.

GeneDx
Classification: Likely benign. Last evaluated: 2019-09-10. Review status: criteria provided, single submitter. Criteria: GeneDx Variant Classification Process June 2021. Collection method: clinical testing. Allele origin: germline. Affected: yes.

Illumina Laboratory Services, Illumina
Classification: Uncertain significance for Autosomal recessive nonsyndromic hearing loss 3. Last evaluated: 2018-01-13. Review status: criteria provided, single submitter. Criteria: ICSL Variant Classification Criteria 13 December 2019. Collection method: clinical testing. Allele origin: germline.

Laboratory for Molecular Medicine, Mass General Brigham Personalized Medicine
Classification: Likely benign. Last evaluated: 2017-08-23. Review status: criteria provided, single submitter. Criteria: LMM Criteria. Collection method: clinical testing. Allele origin: germline. Observed: 1 variant allele.
Comment: p.Pro1197Pro in exon 2 of MYO15A: This variant is not expected to have clinical significance because it does not alter an amino acid residue and is not located within the splice consensus sequence. It has been identified in 0.03% (21/64116) of European chromosomes by the Exome Aggregation Consortium (ExAC.; dbSNP rs200222411).

PreventionGenetics, part of Exact Sciences
Classification: Likely benign for MYO15A-related condition. Last evaluated: 2020-09-30. Review status: no assertion criteria provided. Collection method: clinical testing. Allele origin: germline. Not counted in ClinVar's aggregate classification.
Comment: This variant is classified as likely benign based on ACMG/AMP sequence variant interpretation guidelines (Richards et al. 2015 PMID: 25741868, with internal and published modifications).

NM_016239.4(MYO15A):c.3591G>A (p.Pro1197=)

Gene: MYO15A (myosin XVA; plus strand). Cytogenetic location: 17p11.2.
Variant type: single nucleotide variant.
Coding change: c.3591G>A on transcript NM_016239.4 (MANE Select); coding-DNA position 3591, G replaced by A.
Protein change: p.Pro1197=; no amino-acid change (proline 1197 retained).
Molecular consequence: synonymous variant.
Genome position (GRCh38, 1-based): chr17:18,122,391, G>A. VCF-style: chr17-18122391-G-A. GRCh37 (hg19) VCF-style: chr17-18025705-G-A.
Identifiers: ClinVar variation 322130 (VCV000322130.22), dbSNP rs200222411, ClinGen allele CA8423489.